The following is an entry in ClinVar:

ClinVar aggregate classification (germline): Uncertain significance (1 of 4 stars; one submission).

Allele frequency attached by ClinVar (database versions not stated): gnomAD exomes below 0.00001.

Submission:

Labcorp Genetics (formerly Invitae), Labcorp
Classification: Uncertain significance. Last evaluated: 2022-04-20. Review status: criteria provided, single submitter. Criteria: Invitae Variant Classification Sherloc (09022015). Collection method: clinical testing. Allele origin: germline.
Comment: Algorithms developed to predict the effect of missense changes on protein structure and function (SIFT, PolyPhen-2, Align-GVGD) all suggest that this variant is likely to be tolerated. In summary, the available evidence is currently insufficient to determine the role of this variant in disease. Therefore, it has been classified as a Variant of Uncertain Significance. This variant has not been reported in the literature in individuals affected with RGS9BP-related conditions. The frequency data for this variant in the population databases is considered unreliable, as metrics indicate poor data quality at this position in the gnomAD database. This sequence change replaces valine, which is neutral and non-polar, with alanine, which is neutral and non-polar, at codon 197 of the RGS9BP protein (p.Val197Ala).

NM_207391.3(RGS9BP):c.590T>C (p.Val197Ala)

Gene: RGS9BP (regulator of G protein signaling 9 binding protein; plus strand). Cytogenetic location: 19q13.11.
Variant type: single nucleotide variant.
Coding change: c.590T>C on transcript NM_207391.3 (MANE Select); coding-DNA position 590, T replaced by C.
Protein change: p.Val197Ala; replaces valine 197 with alanine.
Molecular consequence: missense variant.
Genome position (GRCh38, 1-based): chr19:32,676,853, T>C. VCF-style: chr19-32676853-T-C. GRCh37 (hg19) VCF-style: chr19-33167759-T-C.
Other names: short protein forms V197A.
Identifiers: ClinVar variation 1969940 (VCV001969940.5), dbSNP rs780100049, ClinGen allele CA9357562.